The following is an entry in ClinVar:

NM_021830.5(TWNK):c.1954C>A (p.Pro652Thr)

Gene: TWNK (twinkle mtDNA helicase; plus strand). Cytogenetic location: 10q24.31.
Variant type: single nucleotide variant.
Coding change: c.1954C>A on transcript NM_021830.5 (MANE Select); coding-DNA position 1954, C replaced by A.
Protein change: p.Pro652Thr; replaces proline 652 with threonine.
Molecular consequence: missense variant. On other transcripts: 3 prime UTR variant (2), non-coding transcript variant (5).
Genome position (GRCh38, 1-based): chr10:100,993,409, C>A. VCF-style: chr10-100993409-C-A. GRCh37 (hg19) VCF-style: chr10-102753166-C-A.
Other names: p.Pro652Thr; c.*249C>A (NM_001163812.2, NM_001163814.2); c.592C>A, p.Pro198Thr (NM_001163813.2, NM_001368275.1); short protein forms P198T, P652T.
Identifiers: ClinVar variation 1311178 (VCV001311178.3), dbSNP rs267602340, ClinGen allele CA378212763.

ClinVar aggregate classification (germline): Uncertain significance. Review status: criteria provided, multiple submitters, no conflicts (2 of 4 stars). 2 submissions from 2 submitters: Uncertain significance (2). Last evaluated 2023-12-07.

Submissions (2):

Mayo Clinic Laboratories, Mayo Clinic
Classification: Uncertain significance. Last evaluated: 2023-12-07. Review status: criteria provided, single submitter. Criteria: ACMG Guidelines, 2015. Collection method: clinical testing. Allele origin: germline. Observed: 1 variant allele.
Comment: BP4, PM2_moderate

GeneDx
Classification: Uncertain significance. Last evaluated: 2019-12-09. Review status: criteria provided, single submitter. Criteria: GeneDx Variant Classification Process June 2021. Collection method: clinical testing. Allele origin: germline. Affected: yes.
Comment: Not observed in large population cohorts (Lek et al., 2016); In silico analysis, which includes protein predictors and evolutionary conservation, supports that this variant does not alter protein structure/function; Has not been previously published as pathogenic or benign to our knowledge